The following is an entry in ClinVar:

ClinVar aggregate classification (germline): Benign/Likely benign. Review status: criteria provided, multiple submitters, no conflicts (2 of 4 stars). 2 submissions from 2 submitters: Benign (1); Likely benign (1). Last evaluated 2025-02-16.

Conditions:
Leigh syndrome (NULS). Also called: Leigh's necrotizing encephalopathy; Leigh's disease; Leigh's syndrome; LEIGH SYNDROME, NUCLEAR; Leigh Syndrome (mtDNA deletion); Leigh Disease. Identifiers: Orphanet 506, MedGen C2931891, MONDO:0009723, OMIM 256000.

Submissions (2):

Laboratory of Genetics, Children's Clinical University Hospital Latvia
Classification: Likely benign. Last evaluated: 2025-02-16. Review status: criteria provided, single submitter. Criteria: ACMG Guidelines, 2015. Collection method: clinical testing. Allele origin: germline. Affected: yes.

Wong Mito Lab, Molecular and Human Genetics, Baylor College of Medicine
Classification: Benign for Leigh syndrome. Last evaluated: 2019-10-17. Review status: criteria provided, single submitter. Criteria: Modified ACMG Guidelines (Unpublished). Collection method: clinical testing. Allele origin: germline.
Comment: The NC_012920.1:m.13948C>T (YP_003024036.1:p.Pro538Ser) variant in MTND5 gene is interpretated to be a Benign variant based on the modified ACMG guidelines (unpublished). This variant meets the following evidence codes: BS1, BS2

NC_012920.1(MT-ND5):m.13948C>T

Gene: MT-ND5 (mitochondrially encoded NADH dehydrogenase 5; plus strand).
Variant type: single nucleotide variant.
Genome position: chrM-13948-C-T.
Identifiers: ClinVar variation 693641 (VCV000693641.2), dbSNP rs878869470, ClinGen allele CA337099869.